The following is an entry in ClinVar:

ClinVar aggregate classification (germline): Benign/Likely benign. Review status: criteria provided, multiple submitters, no conflicts (2 of 4 stars). 3 submissions from 3 submitters: Benign (1); Likely benign (2). Last evaluated 2025-12-01.

Allele frequency attached by ClinVar (database versions not stated): 1000 Genomes Project 30x 0.00016; ESP Exome Variant Server 0.00062; TOPMed 0.00070; gnomAD 0.00076; gnomAD exomes 0.00093; ExAC 0.00117.
gnomAD v4.1: 1,482 of 1,614,020 alleles (0.092%); highest among the groups gnomAD compares: Middle Eastern, 0.38%; 12 homozygotes.

Submissions (3):

CeGaT Center for Human Genetics Tuebingen
Classification: Likely benign. Last evaluated: 2025-12-01. Review status: criteria provided, single submitter. Criteria: CeGaT Center For Human Genetics Tuebingen Variant Classification Criteria Version 2. Collection method: clinical testing. Allele origin: germline. Affected: yes. Observed: 4 variant alleles.
Comment: MACF1: BP4, BP7

Labcorp Genetics (formerly Invitae), Labcorp
Classification: Benign. Last evaluated: 2025-10-21. Review status: criteria provided, single submitter. Criteria: Invitae Variant Classification Sherloc (09022015). Collection method: clinical testing. Allele origin: germline.

Blueprint Genetics
Classification: Likely benign. Last evaluated: 2024-11-07. Review status: criteria provided, single submitter. Criteria: ACMG Guidelines, 2015. Collection method: clinical testing. Allele origin: germline.

NM_001394062.1(MACF1):c.15729G>A (p.Ala5243=)

Gene: MACF1 (microtubule actin crosslinking factor 1; plus strand). Cytogenetic location: 1p34.3.
Variant type: single nucleotide variant.
Coding change: c.15729G>A on transcript NM_001394062.1 (MANE Select); coding-DNA position 15729, G replaced by A.
Protein change: p.Ala5243=; no amino-acid change (alanine 5243 retained).
Molecular consequence: synonymous variant.
Genome position (GRCh38, 1-based): chr1:39,388,571, G>A. VCF-style: chr1-39388571-G-A. GRCh37 (hg19) VCF-style: chr1-39854243-G-A.
Other names: c.9543G>A, p.Ala3181= (NM_012090.5).
Identifiers: ClinVar variation 2039285 (VCV002039285.29), dbSNP rs72661968, ClinGen allele CA782440.